The following is an entry in ClinVar:

ClinVar aggregate classification (germline): Uncertain significance. Review status: criteria provided, multiple submitters, no conflicts (2 of 4 stars). 2 submissions from 2 submitters: Uncertain significance (2). Last evaluated 2025-03-14.

gnomAD v4.1: 5 of 1,613,718 alleles (0.00031%); highest among the groups gnomAD compares: Non-Finnish European, 0.00042%; no homozygotes.

Submissions (2):

Ambry Genetics
Classification: Uncertain significance. Last evaluated: 2025-03-14. Review status: criteria provided, single submitter. Criteria: Ambry Variant Classification Scheme 2023. Collection method: clinical testing. Allele origin: germline.

Labcorp Genetics (formerly Invitae), Labcorp
Classification: Uncertain significance. Last evaluated: 2024-10-06. Review status: criteria provided, single submitter. Criteria: Invitae Variant Classification Sherloc (09022015). Collection method: clinical testing. Allele origin: germline.
Comment: This sequence change replaces valine, which is neutral and non-polar, with phenylalanine, which is neutral and non-polar, at codon 753 of the SUCO protein (p.Val753Phe). This variant is present in population databases (rs763713837, gnomAD 0.002%). This variant has not been reported in the literature in individuals affected with SUCO-related conditions. An algorithm developed to predict the effect of missense changes on protein structure and function (PolyPhen-2) suggests that this variant is likely to be tolerated. In summary, the available evidence is currently insufficient to determine the role of this variant in disease. Therefore, it has been classified as a Variant of Uncertain Significance.

NM_014283.5(SUCO):c.2257G>T (p.Val753Phe)

Gene: SUCO (SUN domain containing ossification factor; plus strand). Cytogenetic location: 1q24.3.
Variant type: single nucleotide variant.
Coding change: c.2257G>T on transcript NM_014283.5 (MANE Select); coding-DNA position 2257, G replaced by T.
Protein change: p.Val753Phe; replaces valine 753 with phenylalanine.
Molecular consequence: missense variant. On other transcripts: intron variant (1).
Genome position (GRCh38, 1-based): chr1:172,589,358, G>T. VCF-style: chr1-172589358-G-T. GRCh37 (hg19) VCF-style: chr1-172558498-G-T.
Other names: c.568G>T, p.Val190Phe (NM_001282751.2); c.2710G>T, p.Val904Phe (NM_016227.4); c.1712+434G>T (NM_001282750.2); c.2257G>T (NM_014283.3); short protein forms V190F, V753F, V904F.
Identifiers: ClinVar variation 3730641 (VCV003730641.3).